The following is an entry in ClinVar:

NM_001130004.2(ACTN1):c.2635G>A (p.Ala879Thr)

Gene: ACTN1 (actinin alpha 1; minus strand). Cytogenetic location: 14q24.1.
Variant type: single nucleotide variant.
Coding change: c.2635G>A on transcript NM_001130004.2 (MANE Select); coding-DNA position 2635, G replaced by A.
Protein change: p.Ala879Thr; replaces alanine 879 with threonine.
Molecular consequence: missense variant.
Genome position (GRCh38, 1-based): chr14:68,874,969, C>T on the plus strand (G>A on the coding strand, the complement: ACTN1 is on the minus strand). VCF-style: chr14-68874969-C-T. GRCh37 (hg19) VCF-style: chr14-69341686-C-T.
Other names: c.2683G>A, p.Ala895Thr (NM_001424014.1); c.2656G>A, p.Ala886Thr (NM_001424015.1); c.2593G>A, p.Ala865Thr (NM_001424016.1); c.2566G>A, p.Ala856Thr (NM_001424017.1); c.2530G>A, p.Ala844Thr (NM_001424018.1); c.2515G>A, p.Ala839Thr (NM_001424019.1); c.2506G>A, p.Ala836Thr (NM_001424020.1); c.2500G>A, p.Ala834Thr (NM_001424021.1); and 14 more; short protein forms A787T, A830T, A836T, A857T, A860T, A895T, A582T, A792T.
Identifiers: ClinVar variation 4763522 (VCV004763522.1).

ClinVar aggregate classification (germline): Uncertain significance (1 of 4 stars; one submission).

gnomAD v4.1: 1 of 1,613,810 alleles (0.000062%); highest among the groups gnomAD compares: South Asian, 0.0011%; no homozygotes.

Submission:

Labcorp Genetics (formerly Invitae), Labcorp
Classification: Uncertain significance. Last evaluated: 2025-02-09. Review status: criteria provided, single submitter. Criteria: Invitae Variant Classification Sherloc (09022015). Collection method: clinical testing. Allele origin: germline.
Comment: This sequence change replaces alanine, which is neutral and non-polar, with threonine, which is neutral and polar, at codon 879 of the ACTN1 protein (p.Ala879Thr). The frequency data for this variant in the population databases is considered unreliable, as metrics indicate poor data quality at this position in the gnomAD database. This variant has not been reported in the literature in individuals affected with ACTN1-related conditions. An algorithm developed to predict the effect of missense changes on protein structure and function (PolyPhen-2) suggests that this variant is likely to be disruptive. In summary, the available evidence is currently insufficient to determine the role of this variant in disease. Therefore, it has been classified as a Variant of Uncertain Significance.